The following is an entry in ClinVar:

NM_014795.4(ZEB2):c.2177_2178del (p.Ser726fs)

Gene: ZEB2 (zinc finger E-box binding homeobox 2; minus strand). Cytogenetic location: 2q22.3.
Variant type: Microsatellite.
Coding change: c.2177_2178del on transcript NM_014795.4 (MANE Select); coding-DNA positions 2177 to 2178, 2 bases deleted (CT; older notation c.2177_2178delCT).
Protein change: p.Ser726fs; shifts the reading frame from serine 726.
Molecular consequence: frameshift variant.
Genome position (GRCh38, 1-based): chr2:144,399,009-144,399,010, AG deleted on the plus strand (CT on the coding strand, the reverse complement: ZEB2 is on the minus strand); deleting any 2 consecutive bases within chr2:144,399,009-144,399,012 gives the same sequence; the c. name uses the placement nearest the transcript's 3' end. VCF-style (leftmost placement, unchanged base first): chr2-144399008-AAG-A. GRCh37 (hg19) VCF-style: chr2-145156575-AAG-A.
Other names: c.2105_2106del, p.Ser702fs (NM_001171653.2); short protein forms S702fs, S726fs.
Identifiers: ClinVar variation 984701 (VCV000984701.1), dbSNP rs1703269824, ClinGen allele CA645521246.

ClinVar aggregate classification (germline): Pathogenic (1 of 4 stars; one submission).

Conditions:
Mowat-Wilson syndrome (MOWS). Also called: Classic Mowat-Wilson Syndrome. Identifiers: Orphanet 2152, MedGen C1856113, MONDO:0009341, OMIM 235730.

Submission:

Institute of Human Genetics, University of Leipzig Medical Center
Classification: Pathogenic for Mowat-Wilson syndrome. Last evaluated: 2020-06-01. Review status: criteria provided, single submitter. Criteria: ACMG Guidelines, 2015. Collection method: clinical testing. Allele origin: germline. Inheritance: Autosomal dominant inheritance. Affected: yes.
Comment: PVS1, PM2, PP4_Moderate